The following is an entry in ClinVar:

NM_001267550.2(TTN):c.104845C>A (p.Arg34949Ser)

Genes: TTN (titin; minus strand), TTN-AS1 (TTN antisense RNA 1; plus strand). Cytogenetic location: 2q31.2.
Variant type: single nucleotide variant.
Coding change: c.104845C>A on transcript NM_001267550.2 (MANE Select); coding-DNA position 104845, C replaced by A.
Protein change: p.Arg34949Ser; replaces arginine 34949 with serine.
Molecular consequence: missense variant.
Genome position (GRCh38, 1-based): chr2:178,531,770, G>T on the plus strand (C>A on the coding strand, the complement: TTN is on the minus strand). VCF-style: chr2-178531770-G-T. GRCh37 (hg19) VCF-style: chr2-179396497-G-T.
Other names: c.99922C>A, p.Arg33308Ser (NM_001256850.1); c.77650C>A, p.Arg25884Ser (NM_003319.4); c.97141C>A, p.Arg32381Ser (NM_133378.4); c.78025C>A, p.Arg26009Ser (NM_133432.3); c.78226C>A, p.Arg26076Ser (NM_133437.4); short protein forms R25884S, R26009S, R26076S, R32381S, R33308S, R34949S.
Identifiers: ClinVar variation 3761975 (VCV003761975.2).
Genomic context (GRCh38, chr2:178,531,770, plus strand): 5'-GCTTAGACTGAACATTTAAAATAAAACGTGTATTTTGGCCACATGGTACCCTGTGCGAGC[G>T]CATTCTCAGTGTGATTCGAGGGGCATGGTCCAGTGTGAAAGGCTGCTGACTCAAAACTTC-3'
Protein context (NP_001254479.2, residues 34939-34959): DHAPRITLRM[Arg34949Ser]SHRVPCGQNT

ClinVar aggregate classification (germline): Uncertain significance (1 of 4 stars; one submission).

Conditions:
Autosomal recessive limb-girdle muscular dystrophy type 2J (LGMDR10). Also called: Limb-girdle muscular dystrophy, type 2J; MUSCULAR DYSTROPHY, LIMB-GIRDLE, AUTOSOMAL RECESSIVE 10. Identifiers: Orphanet 140922, MedGen C1837342, MONDO:0012127, OMIM 608807.
Dilated cardiomyopathy 1G (CMD1G). Identifiers: Orphanet 154, MedGen C1858763, MONDO:0011400, OMIM 604145.

gnomAD v4.1: 1 of 1,613,860 alleles (0.000062%); highest among the groups gnomAD compares: African/African-American, 0.0013%; no homozygotes.

Submission:

Labcorp Genetics (formerly Invitae), Labcorp
Classification: Uncertain significance for Dilated cardiomyopathy 1G; Autosomal recessive limb-girdle muscular dystrophy type 2J. Last evaluated: 2025-11-25. Review status: criteria provided, single submitter. Criteria: Invitae Variant Classification Sherloc (09022015). Collection method: clinical testing. Allele origin: germline.
Comment: This sequence change replaces arginine, which is basic and polar, with serine, which is neutral and polar, at codon 34949 of the TTN protein (p.Arg34949Ser). This variant is not present in population databases (gnomAD no frequency). This variant has not been reported in the literature in individuals affected with TTN-related conditions. ClinVar contains an entry for this variant (Variation ID: 3761975). Experimental studies and prediction algorithms are not available or were not evaluated, and the functional significance of this variant is currently unknown. In summary, the available evidence is currently insufficient to determine the role of this variant in disease. Therefore, it has been classified as a Variant of Uncertain Significance.